The following is an entry in ClinVar:

ClinVar aggregate classification (germline): Likely pathogenic (1 of 4 stars; one submission).

Conditions:
Intellectual developmental disorder, X-linked 104. Also called: Intellectual disability, X-linked 104. Identifiers: MedGen C4310817, MONDO:0010509, OMIM 300983.

Submission:

3billion
Classification: Likely pathogenic for Intellectual developmental disorder, X-linked 104. Last evaluated: 2023-02-23. Review status: criteria provided, single submitter. Criteria: ACMG Guidelines, 2015. Collection method: clinical testing. Allele origin: unknown. Affected: yes.
Comment: The variant is not observed in the gnomAD v2.1.1 dataset. This variant was predicted to result in a loss or disruption of normal protein function through nonsense-mediated decay (NMD) or protein truncation. Therefore, this variant is classified as Likely pathogenic according to the recommendation of ACMG/AMP guideline.

NM_001368397.1(FRMPD4):c.3258del (p.Arg1087fs)

Gene: FRMPD4 (FERM and PDZ domain containing 4; plus strand). Cytogenetic location: Xp22.2.
Variant type: Deletion.
Coding change: c.3258del on transcript NM_001368397.1 (MANE Select); coding-DNA position 3258, one base deleted (T; older notation c.3258delT).
Protein change: p.Arg1087fs; shifts the reading frame from arginine 1087.
Molecular consequence: frameshift variant.
Genome position (GRCh38, 1-based): chrX:12,718,084, T deleted; the last of 3 consecutive T bases (chrX:12,718,082-12,718,084); deleting any one gives the same sequence. VCF-style (leftmost placement, unchanged base first): chrX-12718081-CT-C. GRCh37 (hg19) VCF-style: chrX-12736200-CT-C.
Other names: c.3369del, p.Arg1124fs (NM_001368395.3, NM_001368398.3); c.3264del, p.Arg1089fs (NM_001368396.3); c.3249del, p.Arg1084fs (NM_001368399.3); c.3138del, p.Arg1047fs (NM_001368400.3); c.3234del, p.Arg1079fs (NM_001368401.1, NM_001368402.3); c.3258del, p.Arg1087fs (NM_014728.3); short protein forms R1047fs, R1079fs, R1084fs, R1087fs, R1089fs, R1124fs.
Identifiers: ClinVar variation 2444249 (VCV002444249.1), dbSNP rs2519861850, ClinGen allele CA2580100030.